The following is an entry in ClinVar:

NM_000038.6(APC):c.6609T>C (p.Val2203=)

Gene: APC (APC regulator of Wnt signaling pathway; plus strand). Cytogenetic location: 5q22.2.
Variant type: single nucleotide variant.
Coding change: c.6609T>C on transcript NM_000038.6 (MANE Select); coding-DNA position 6609, T replaced by C.
Protein change: p.Val2203=; no amino-acid change (valine 2203 retained).
Molecular consequence: synonymous variant.
Genome position (GRCh38, 1-based): chr5:112,842,203, T>C. VCF-style: chr5-112842203-T-C. GRCh37 (hg19) VCF-style: chr5-112177900-T-C.
Other names: p.V2203V:GTT>GTC; CCDS4107.1:c.6609T>C; c.6609T>C, p.Val2203= (NM_001127510.3, NM_001354895.2); c.6555T>C, p.Val2185= (NM_001127511.3); c.6663T>C, p.Val2221= (NM_001354896.2); c.6639T>C, p.Val2213= (NM_001354897.2); c.6534T>C, p.Val2178= (NM_001354898.2); c.6525T>C, p.Val2175= (NM_001354899.2); and 7 more.
Identifiers: ClinVar variation 135713 (VCV000135713.69), dbSNP rs149328018, ClinGen allele CA012306.

ClinVar aggregate classification (germline): Benign/Likely benign. Review status: criteria provided, multiple submitters, no conflicts (2 of 4 stars). 21 submissions from 21 submitters: Benign (7); Likely benign (10). 4 of the submissions do not count toward it. Last evaluated 2026-02-03.

Conditions:
Classic or attenuated familial adenomatous polyposis. Identifiers: MedGen CN372698, MONDO:0021057.
APC-related disorder. Also called: APC-related condition.
APC-Associated Polyposis Disorders.
Hereditary cancer-predisposing syndrome. Also called: Tumor predisposition; Hereditary neoplastic syndrome; Hereditary Cancer Syndrome; Neoplastic Syndromes, Hereditary. Identifiers: Orphanet 140162, MedGen C0027672, MeSH D009386, MONDO:0015356.
Familial adenomatous polyposis 1 (FAP1). Also called: POLYPOSIS, ADENOMATOUS INTESTINAL; FAMILIAL ADENOMATOUS POLYPOSIS 1, ATTENUATED. Identifiers: MedGen C2713442, MONDO:0021056, OMIM 175100. Disease mechanism: loss of function.
Malignant tumor of breast. Also called: Cancer breast; Malignant breast neoplasm. Identifiers: MedGen C0006142, MONDO:0007254. Disease mechanism: loss of function.

Allele frequency attached by ClinVar (database versions not stated): gnomAD 0.00013 and 0.00014; TOPMed 0.00017; ExAC 0.00028; ESP Exome Variant Server 0.00031.
gnomAD v4.1: 229 of 1,613,358 alleles (0.014%); highest among the groups gnomAD compares: Admixed American, 0.005%; no homozygotes.

Submissions (21):

Labcorp Genetics (formerly Invitae), Labcorp
Classification: Benign for Familial adenomatous polyposis 1. Last evaluated: 2026-02-03. Review status: criteria provided, single submitter. Criteria: Invitae Variant Classification Sherloc (09022015). Collection method: clinical testing. Allele origin: germline.

CeGaT Center for Human Genetics Tuebingen
Classification: Likely benign. Last evaluated: 2025-08-01. Review status: criteria provided, single submitter. Criteria: CeGaT Center For Human Genetics Tuebingen Variant Classification Criteria Version 2. Collection method: clinical testing. Allele origin: germline. Affected: yes. Observed: 12 variant alleles.
Comment: APC: BP4, BP7

Quest Diagnostics Nichols Institute San Juan Capistrano
Classification: Benign. Last evaluated: 2025-05-06. Review status: criteria provided, single submitter. Criteria: Quest Diagnostics criteria. Collection method: clinical testing. Allele origin: unknown.

Center for Genomic Medicine, Rigshospitalet, Copenhagen University Hospital
Classification: Likely benign. Last evaluated: 2025-03-04. Review status: criteria provided, single submitter. Criteria: ACMG Guidelines, 2015. Collection method: clinical testing. Allele origin: germline.

PreventionGenetics, part of Exact Sciences
Classification: Likely benign for APC-related condition. Last evaluated: 2025-01-13. Review status: criteria provided, single submitter. Criteria: ACMG Guidelines, 2015. Collection method: clinical testing. Allele origin: germline.
Comment: This variant is classified as likely benign based on ACMG/AMP sequence variant interpretation guidelines (Richards et al. 2015 PMID: 25741868, with internal and published modifications).

Blueprint Genetics
Classification: Likely benign. Last evaluated: 2024-10-04. Review status: criteria provided, single submitter. Criteria: ACMG Guidelines, 2015. Collection method: clinical testing. Allele origin: germline.

Myriad Genetics, Inc.
Classification: Benign for Familial adenomatous polyposis 1. Last evaluated: 2024-04-05. Review status: criteria provided, single submitter. Criteria: Myriad Autosomal Dominant, Autosomal Recessive and X-Linked Classification Criteria (2023). Collection method: clinical testing. Allele origin: unknown.
Comment: This variant is considered benign. This variant is a silent/synonymous amino acid change and it is not expected to impact splicing.

All of Us Research Program, National Institutes of Health
Classification: Likely benign for Classic or attenuated familial adenomatous polyposis. Last evaluated: 2024-02-05. Review status: criteria provided, single submitter. Criteria: ACMG Guidelines, 2015. Collection method: clinical testing. Allele origin: germline. Inheritance: Autosomal dominant inheritance. Observed: 67 variant alleles, 67 heterozygotes.
Comment: This study involves interpretation of variants in research participants for the purpose of population health screening. Participant phenotype was not available at the time of variant classification. Additional details can be found in publication PMID: 35346344, PMCID: PMC8962531

Institute for Biomarker Research, Medical Diagnostic Laboratories, L.L.C.
Classification: Likely benign for Hereditary cancer-predisposing syndrome. Last evaluated: 2023-05-25. Review status: criteria provided, single submitter. Criteria: ACMG Guidelines, 2015. Collection method: clinical testing. Allele origin: germline.

Genetic Services Laboratory, University of Chicago
Classification: Benign. Last evaluated: 2021-10-11. Review status: criteria provided, single submitter. Criteria: ACMG Guidelines, 2015. Collection method: clinical testing. Allele origin: germline. Affected: no.

Sema4
Classification: Benign for Hereditary cancer-predisposing syndrome. Last evaluated: 2020-11-05. Review status: criteria provided, single submitter. Criteria: Sema4 Curation Guidelines. Collection method: curation. Allele origin: germline.

Mendelics
Classification: Likely benign for Familial adenomatous polyposis 1. Last evaluated: 2019-05-28. Review status: criteria provided, single submitter. Criteria: Mendelics Assertion Criteria 2017. Collection method: clinical testing. Allele origin: unknown.

Illumina Laboratory Services, Illumina
Classification: Likely benign for APC-Associated Polyposis Disorders. Last evaluated: 2018-01-12. Review status: criteria provided, single submitter. Criteria: ICSL Variant Classification Criteria 13 December 2019. Collection method: clinical testing. Allele origin: germline.
Comment: This variant was observed in the ICSL laboratory as part of a predisposition screen in an ostensibly healthy population. It had not been previously curated by ICSL or reported in the Human Gene Mutation Database (HGMD: prior to June 1st, 2018), and was therefore a candidate for classification through an automated scoring system. Utilizing variant allele frequency, disease prevalence and penetrance estimates, and inheritance mode, an automated score was calculated to assess if this variant is too frequent to cause the disease. Based on the score and internal cut-off values, a variant classified as likely benign is not then subjected to further curation. The score for this variant resulted in a classification of likely benign for this disease.

Color Diagnostics, LLC DBA Color Health
Classification: Likely benign for Hereditary cancer-predisposing syndrome. Last evaluated: 2016-05-03. Review status: criteria provided, single submitter. Criteria: ACMG Guidelines, 2015. Collection method: clinical testing. Allele origin: germline.

Women's Health and Genetics/Laboratory Corporation of America, LabCorp
Classification: Benign. Last evaluated: 2016-03-07. Review status: criteria provided, single submitter. Criteria: LabCorp Variant Classification Summary - May 2015. Collection method: clinical testing. Allele origin: germline.

Ambry Genetics
Classification: Likely benign for Hereditary cancer-predisposing syndrome. Last evaluated: 2014-11-06. Review status: criteria provided, single submitter. Criteria: Ambry Variant Classification Scheme 2023. Collection method: clinical testing. Allele origin: germline.

GeneDx
Classification: Benign. Last evaluated: 2014-08-08. Review status: criteria provided, single submitter. Criteria: GeneDx Variant Classification (06012015). Collection method: clinical testing. Allele origin: germline. Affected: yes.
Comment: This variant is considered likely benign or benign based on one or more of the following criteria: it is a conservative change, it occurs at a poorly conserved position in the protein, it is predicted to be benign by multiple in silico algorithms, and/or has population frequency not consistent with disease.

True Health Diagnostics
Classification: Likely benign for Hereditary cancer-predisposing syndrome. Last evaluated: 2017-06-27. Review status: no assertion criteria provided. Collection method: clinical testing. Allele origin: germline. Not counted in ClinVar's aggregate classification.

Clinical Genetics, Academic Medical Center
Classification: Benign. Review status: no assertion criteria provided. Collection method: clinical testing. Allele origin: germline. Affected: yes. Study: VKGL Data-share Consensus. Not counted in ClinVar's aggregate classification.

Department of Pathology and Laboratory Medicine, Sinai Health System
Classification: Likely benign for Malignant tumor of breast. Review status: no assertion criteria provided. Collection method: clinical testing. Allele origin: unknown. Affected: yes. Study: The Canadian Open Genetics Repository (COGR). Not counted in ClinVar's aggregate classification.
Comment: The APC p.Val2203= variant was identified in the literature, however, the frequency of this variant in an affected population was not provided. The variant was also identified in ClinVar (3x as Benign by GeneDx, Invitae and Integrated Genetics, 5x as Likely Benign, and 1x as Uncertain). The variant was not identified in LOVD 3.0 or UMD-LSDB. The variant was identified in control databases in 79 of 276074 chromosomes at a frequency of 0.00023, increasing the likelihood that this could be a low frequency benign variant (Genome Aggregation Database Feb 27, 2017). The variant was observed in the following populations: African in 1 of 23952 chromosomes (freq: 0.00004), Latino in 1 of 34370 chromosomes (freq: 0.00003), European Non-Finnish in 12 of 125826 chromosomes (freq: 0.0001), and Ashkenazi Jewish in 65 of 10124 chromosomes (freq: 0.006). The variant was not observed in the Other, East Asian, Finnish, or South Asian populations. The p.Val2203= variant is not expected to have clinical significance because it does not result in a change of amino acid and is not located in a known consensus splice site. In addition, the variant occurs outside of the splicing consensus sequence and in silico or computational prediction software programs (SpliceSiteFinder, MaxEntScan, NNSPLICE, GeneSplicer) do not predict a difference in splicing. In summary, based on the above information this variant meets our laboratory's criteria to be classified as likely benign.

Laboratory of Diagnostic Genome Analysis, Leiden University Medical Center (LUMC)
Classification: Likely benign. Review status: no assertion criteria provided. Collection method: clinical testing. Allele origin: germline. Affected: yes. Study: VKGL Data-share Consensus. Not counted in ClinVar's aggregate classification.